The following is an entry in ClinVar:

NM_001429.4(EP300):c.189G>C (p.Gln63His)

Gene: EP300 (EP300 lysine acetyltransferase; plus strand). Cytogenetic location: 22q13.2.
Variant type: single nucleotide variant.
Coding change: c.189G>C on transcript NM_001429.4 (MANE Select); coding-DNA position 189, G replaced by C.
Protein change: p.Gln63His; replaces glutamine 63 with histidine.
Molecular consequence: missense variant.
Genome position (GRCh38, 1-based): chr22:41,117,281, G>C. VCF-style: chr22-41117281-G-C. GRCh37 (hg19) VCF-style: chr22-41513285-G-C.
Other names: c.189G>C, p.Gln63His (NM_001362843.2); short protein forms Q63H.
Identifiers: ClinVar variation 3008052 (VCV003008052.3), dbSNP rs772562025, ClinGen allele CA411679842.

ClinVar aggregate classification (germline): Uncertain significance (1 of 4 stars; one submission).

Conditions:
Rubinstein-Taybi syndrome due to EP300 haploinsufficiency. Also called: RUBINSTEIN-TAYBI SYNDROME 2; EP300-Related Rubinstein-Taybi Syndrome. Identifiers: Orphanet 353284, Orphanet 783, MedGen C3150941, MONDO:0013364, OMIM 613684.

gnomAD v4.1: 2 of 1,614,180 alleles (0.00012%); highest among the groups gnomAD compares: Middle Eastern, 0.016%; no homozygotes.

Submission:

Labcorp Genetics (formerly Invitae), Labcorp
Classification: Uncertain significance for Rubinstein-Taybi syndrome due to EP300 haploinsufficiency. Last evaluated: 2023-12-27. Review status: criteria provided, single submitter. Criteria: Invitae Variant Classification Sherloc (09022015). Collection method: clinical testing. Allele origin: germline.
Comment: This sequence change replaces glutamine, which is neutral and polar, with histidine, which is basic and polar, at codon 63 of the EP300 protein (p.Gln63His). This variant is present in population databases (no rsID available, gnomAD 0.0009%). This variant has not been reported in the literature in individuals affected with EP300-related conditions. Advanced modeling of protein sequence and biophysical properties (such as structural, functional, and spatial information, amino acid conservation, physicochemical variation, residue mobility, and thermodynamic stability) performed at Invitae indicates that this missense variant is not expected to disrupt EP300 protein function with a negative predictive value of 95%. In summary, the available evidence is currently insufficient to determine the role of this variant in disease. Therefore, it has been classified as a Variant of Uncertain Significance.